The following is an entry in ClinVar:

ClinVar aggregate classification (germline): Uncertain significance. Review status: criteria provided, multiple submitters, no conflicts (2 of 4 stars). 3 submissions from 3 submitters: Uncertain significance (3). Last evaluated 2026-05-26.

Conditions:
Cardiovascular phenotype. Identifiers: MedGen CN230736.

Allele frequency attached by ClinVar (database versions not stated): ExAC 0.00003; TOPMed 0.00001.
gnomAD v4.1: 19 of 1,610,836 alleles (0.0012%); highest among the groups gnomAD compares: South Asian, 0.0088%; no homozygotes.

Submissions (3):

Ambry Genetics
Classification: Uncertain significance for Cardiovascular phenotype. Last evaluated: 2026-05-26. Review status: criteria provided, single submitter. Criteria: Ambry Variant Classification Scheme 2023. Collection method: clinical testing. Allele origin: germline.
Comment: The c.2558C>T (p.P853L) alteration is located in exon 6 (coding exon 5) of the TNXB gene. This alteration results from a C to T substitution at nucleotide position 2558, causing the proline (P) at amino acid position 853 to be replaced by a leucine (L). Based on data from gnomAD, the T allele has an overall frequency of 0.002% (4/247758) total alleles studied. The highest observed frequency was 0.013% (4/30444) of South Asian alleles. Based on insufficient or conflicting evidence, the clinical significance of this alteration remains unclear.

Mayo Clinic Laboratories, Mayo Clinic
Classification: Uncertain significance. Last evaluated: 2023-07-26. Review status: criteria provided, single submitter. Criteria: ACMG Guidelines, 2015. Collection method: clinical testing. Allele origin: germline. Observed: 1 variant allele.

GeneDx
Classification: Uncertain significance. Last evaluated: 2019-06-03. Review status: criteria provided, single submitter. Criteria: GeneDx Variant Classification Process June 2021. Collection method: clinical testing. Allele origin: germline. Affected: yes.
Comment: Has not been previously published as pathogenic or benign to our knowledge; Not observed at a significant frequency in large population cohorts (Lek et al., 2016); In silico analysis, which includes protein predictors and evolutionary conservation, supports a deleterious effect

NM_001365276.2(TNXB):c.2558C>T (p.Pro853Leu)

Gene: TNXB (tenascin XB; minus strand). Cytogenetic location: 6p21.33.
Variant type: single nucleotide variant.
Coding change: c.2558C>T on transcript NM_001365276.2 (MANE Select); coding-DNA position 2558, C replaced by T.
Protein change: p.Pro853Leu; replaces proline 853 with leucine.
Molecular consequence: missense variant.
Genome position (GRCh38, 1-based): chr6:32,089,006, G>A on the plus strand (C>T on the coding strand, the complement: TNXB is on the minus strand). VCF-style: chr6-32089006-G-A. GRCh37 (hg19) VCF-style: chr6-32056783-G-A.
Other names: p.Pro853Leu; c.2558C>T, p.Pro853Leu (NM_019105.8); short protein forms P853L.
Identifiers: ClinVar variation 1306250 (VCV001306250.4), dbSNP rs759942418, ClinGen allele CA3735456.